The following is an entry in ClinVar:

NM_006218.4(PIK3CA):c.2479C>G (p.Gln827Glu)

Gene: PIK3CA (phosphatidylinositol-4,5-bisphosphate 3-kinase catalytic subunit alpha; plus strand). Cytogenetic location: 3q26.32.
Variant type: single nucleotide variant.
Coding change: c.2479C>G on transcript NM_006218.4 (MANE Select); coding-DNA position 2479, C replaced by G.
Protein change: p.Gln827Glu; replaces glutamine 827 with glutamic acid.
Molecular consequence: missense variant.
Genome position (GRCh38, 1-based): chr3:179,226,024, C>G. VCF-style: chr3-179226024-C-G. GRCh37 (hg19) VCF-style: chr3-178943812-C-G.
Other names: short protein forms Q827E.
Identifiers: ClinVar variation 3306580 (VCV003306580.1).
Genomic context (GRCh38, chr3:179,226,024, plus strand): 5'-TTACGGCAAGATATGCTAACACTTCAAATTATTCGTATTATGGAAAATATCTGGCAAAAT[C>G]AAGGTCTTGATCTTCGGTAGGTAACCAGTAAGGCAACCTGTATGTTGAAAGTTATCCTGA-3'
Protein context (NP_006209.2, residues 817-837): IRIMENIWQN[Gln827Glu]GLDLRMLPYG

ClinVar aggregate classification (germline): Uncertain significance (1 of 4 stars; one submission).

Conditions:
Inborn genetic diseases. Identifiers: MedGen C0950123, MeSH D030342.

gnomAD v4.1: 1 of 1,593,144 alleles (0.000063%); no homozygotes.

Submission:

Ambry Genetics
Classification: Uncertain significance for Inborn genetic diseases. Last evaluated: 2024-03-18. Review status: criteria provided, single submitter. Criteria: Ambry Variant Classification Scheme 2023. Collection method: clinical testing. Allele origin: germline.
Comment: The p.Q827E variant (also known as c.2479C>G), located in coding exon 16 of the PIK3CA gene, results from a C to G substitution at nucleotide position 2479. The glutamine at codon 827 is replaced by glutamic acid, an amino acid with highly similar properties. This amino acid position is conserved. In addition, the in silico prediction for this alteration is inconclusive. Based on the available evidence, the clinical significance of this alteration remains unclear.